The following is an entry in ClinVar:

NM_001164508.2(NEB):c.22619T>C (p.Leu7540Pro)

Genes: NEB (nebulin; minus strand), RIF1 (replication timing regulatory factor 1; plus strand). Cytogenetic location: 2q23.3.
Variant type: single nucleotide variant.
Coding change: c.22619T>C on transcript NM_001164508.2 (MANE Select); coding-DNA position 22619, T replaced by C.
Protein change: p.Leu7540Pro; replaces leucine 7540 with proline.
Molecular consequence: missense variant.
Genome position (GRCh38, 1-based): chr2:151,519,041, A>G on the plus strand (T>C on the coding strand, the complement: NEB is on the minus strand). VCF-style: chr2-151519041-A-G. GRCh37 (hg19) VCF-style: chr2-152375555-A-G.
Other names: c.22619T>C, p.Leu7540Pro (NM_001164507.2); c.22724T>C, p.Leu7575Pro (NM_001271208.2); c.17516T>C, p.Leu5839Pro (NM_004543.5); short protein forms L7540P, L5839P, L7575P.
Identifiers: ClinVar variation 2188759 (VCV002188759.3), dbSNP rs1559476748, ClinGen allele CA348760853.
Genomic context (GRCh38, chr2:151,519,041, plus strand): 5'-CTTGTATTCAGGACATGATTCATGATCAGAGACTCCTTCATGTCAGTCACGGGTTTGTGA[A>G]GTTTCTTCAGGTCAGCCTTGTATTTAACCTGTGTGTTATGGGGGAAGAAAGGAAATCACG-3'
Protein context (NP_001157980.2, residues 7530-7550): EVKYKADLKK[Leu7540Pro]HKPVTDMKES

ClinVar aggregate classification (germline): Uncertain significance (1 of 4 stars; one submission).

Conditions:
Nemaline myopathy 2 (NEM2). Also called: Nemaline myopathy 2, autosomal recessive. Identifiers: MedGen C1850569, MONDO:0009725, OMIM 256030.

gnomAD v4.1: 1 of 1,613,430 alleles (0.000062%); no homozygotes.

Submission:

Labcorp Genetics (formerly Invitae), Labcorp
Classification: Uncertain significance for Nemaline myopathy 2. Last evaluated: 2025-04-07. Review status: criteria provided, single submitter. Criteria: Invitae Variant Classification Sherloc (09022015). Collection method: clinical testing. Allele origin: germline.
Comment: This sequence change replaces leucine, which is neutral and non-polar, with proline, which is neutral and non-polar, at codon 7575 of the NEB protein (p.Leu7575Pro). This variant is not present in population databases (gnomAD no frequency). This variant has not been reported in the literature in individuals affected with NEB-related conditions. ClinVar contains an entry for this variant (Variation ID: 2188759). Experimental studies and prediction algorithms are not available or were not evaluated, and the functional significance of this variant is currently unknown. In summary, the available evidence is currently insufficient to determine the role of this variant in disease. Therefore, it has been classified as a Variant of Uncertain Significance.